The following is an entry in ClinVar:

NM_001830.4(CLCN4):c.433-3T>C

Gene: CLCN4 (chloride voltage-gated channel 4; plus strand). Cytogenetic location: Xp22.2.
Variant type: single nucleotide variant.
Coding change: c.433-3T>C on transcript NM_001830.4 (MANE Select); 3 bases into the intron before coding-DNA position 433, T replaced by C.
Molecular consequence: intron variant.
Genome position (GRCh38, 1-based): chrX:10,197,936, T>C. VCF-style: chrX-10197936-T-C. GRCh37 (hg19) VCF-style: chrX-10165976-T-C.
Other names: c.151-3T>C (NM_001256944.2).
Identifiers: ClinVar variation 1063424 (VCV001063424.9), dbSNP rs2147173776, ClinGen allele CA2499226285.

ClinVar aggregate classification (germline): Uncertain significance (1 of 4 stars; one submission).

Submission:

Labcorp Genetics (formerly Invitae), Labcorp
Classification: Uncertain significance. Last evaluated: 2020-02-01. Review status: criteria provided, single submitter. Criteria: Invitae Variant Classification Sherloc (09022015). Collection method: clinical testing. Allele origin: germline.
Comment: Nucleotide substitutions within the consensus splice site are a relatively common cause of aberrant splicing (PMID: 17576681, 9536098). Algorithms developed to predict the effect of sequence changes on RNA splicing suggest that this variant is not likely to affect RNA splicing, but this prediction has not been confirmed by published transcriptional studies. In summary, the available evidence is currently insufficient to determine the role of this variant in disease. Therefore, it has been classified as a Variant of Uncertain Significance. This variant has not been reported in the literature in individuals with CLCN4-related disease. This variant is not present in population databases (ExAC no frequency). This sequence change falls in intron 5 of the CLCN4 gene. It does not directly change the encoded amino acid sequence of the CLCN4 protein, but it affects a nucleotide within the consensus splice site of the intron.

Literature cited by the submitters: PubMed 17576681; PubMed 9536098.